The following is an entry in ClinVar:

NM_013275.6(ANKRD11):c.4670C>T (p.Pro1557Leu)

Gene: ANKRD11 (ankyrin repeat domain 11; minus strand). Cytogenetic location: 16q24.3.
Variant type: single nucleotide variant.
Coding change: c.4670C>T on transcript NM_013275.6 (MANE Select); coding-DNA position 4670, C replaced by T.
Protein change: p.Pro1557Leu; replaces proline 1557 with leucine.
Molecular consequence: missense variant.
Genome position (GRCh38, 1-based): chr16:89,281,872, G>A on the plus strand (C>T on the coding strand, the complement: ANKRD11 is on the minus strand). VCF-style: chr16-89281872-G-A. GRCh37 (hg19) VCF-style: chr16-89348280-G-A.
Other names: c.4670C>T, p.Pro1557Leu (NM_001256182.2, NM_001256183.2); short protein forms P1557L.
Identifiers: ClinVar variation 2725122 (VCV002725122.7), dbSNP rs371945379, ClinGen allele CA8242055.
Genomic context (GRCh38, chr16:89,281,872, plus strand): 5'-TCGCCGTCCCCCAGGAGCTTCTCCCTGGGCCTGGCGTCTTTCTTGCCTGGGTCTTTGGAT[G>A]GCGCTACCTTATCATTCCCGTTGCTCATCTTCACTGGGTCGCCCTTTTCTTTCTCTGCAC-3'
Protein context (NP_037407.4, residues 1547-1567): KMSNGNDKVA[Pro1557Leu]SKDPGKKDAR

ClinVar aggregate classification (germline): Conflicting classifications of pathogenicity. Review status: criteria provided, conflicting classifications (1 of 4 stars). 4 submissions from 4 submitters: Uncertain significance (2); Likely benign (2). Last evaluated 2026-06-01.

Conditions:
KBG syndrome (KBGS). Also called: ANKRD11-Related KBG Syndrome. Identifiers: Orphanet 2332, MedGen C0220687, MONDO:0007846, OMIM 148050.

Allele frequency attached by ClinVar (database versions not stated): gnomAD 0.00002; gnomAD exomes 0.00003; TOPMed 0.00003; ESP Exome Variant Server 0.00008; ExAC 0.00002.
gnomAD v4.1: 44 of 1,613,770 alleles (0.0027%); highest among the groups gnomAD compares: Middle Eastern, 0.016%; no homozygotes.

Submissions (4):

CeGaT Center for Human Genetics Tuebingen
Classification: Likely benign. Last evaluated: 2026-06-01. Review status: criteria provided, single submitter. Criteria: CeGaT Center For Human Genetics Tuebingen Variant Classification Criteria Version 2. Collection method: clinical testing. Allele origin: germline. Affected: yes. Observed: 1 variant allele.
Comment: ANKRD11: BP4

Labcorp Genetics (formerly Invitae), Labcorp
Classification: Uncertain significance for KBG syndrome. Last evaluated: 2025-03-10. Review status: criteria provided, single submitter. Criteria: Invitae Variant Classification Sherloc (09022015). Collection method: clinical testing. Allele origin: germline.
Comment: This sequence change replaces proline, which is neutral and non-polar, with leucine, which is neutral and non-polar, at codon 1557 of the ANKRD11 protein (p.Pro1557Leu). This variant is present in population databases (rs371945379, gnomAD 0.004%). This variant has not been reported in the literature in individuals affected with ANKRD11-related conditions. ClinVar contains an entry for this variant (Variation ID: 2725122). Invitae Evidence Modeling of protein sequence and biophysical properties (such as structural, functional, and spatial information, amino acid conservation, physicochemical variation, residue mobility, and thermodynamic stability) indicates that this missense variant is not expected to disrupt ANKRD11 protein function with a negative predictive value of 95%. In summary, the available evidence is currently insufficient to determine the role of this variant in disease. Therefore, it has been classified as a Variant of Uncertain Significance.

Blueprint Genetics
Classification: Likely benign. Last evaluated: 2024-10-18. Review status: criteria provided, single submitter. Criteria: ACMG Guidelines, 2015. Collection method: clinical testing. Allele origin: germline.

Department of Pathology and Laboratory Medicine, Sinai Health System
Classification: Uncertain significance for KBG syndrome. Last evaluated: 2021-08-30. Review status: criteria provided, single submitter. Criteria: ACMG Guidelines, 2015. Collection method: research. Allele origin: germline.